The following is an entry in ClinVar:

NM_017763.6(RNF43):c.688-18C>T

Gene: RNF43 (ring finger protein 43; minus strand). Cytogenetic location: 17q22.
Variant type: single nucleotide variant.
Coding change: c.688-18C>T on transcript NM_017763.6 (MANE Select); 18 bases into the intron before coding-DNA position 688, C replaced by T.
Molecular consequence: intron variant.
Genome position (GRCh38, 1-based): chr17:58,360,962, G>A on the plus strand (C>T on the coding strand, the complement: RNF43 is on the minus strand). VCF-style: chr17-58360962-G-A. GRCh37 (hg19) VCF-style: chr17-56438323-G-A.
Other names: c.688-18C>T (NM_001438822.1, NM_001305544.3, NM_001438820.1 and 1 more transcripts); c.307-18C>T (NM_001305545.2, NM_001437987.1).
Identifiers: ClinVar variation 1939564 (VCV001939564.6), dbSNP rs751038078, ClinGen allele CA8673322.

ClinVar aggregate classification (germline): Likely benign. Review status: criteria provided, multiple submitters, no conflicts (2 of 4 stars). 2 submissions from 2 submitters: Likely benign (2). Last evaluated 2026-06-26.

Conditions:
Sessile serrated polyposis cancer syndrome (SSPCS). Identifiers: Orphanet 157798, MedGen C4310714, MONDO:0014919, OMIM 617108.

Allele frequency attached by ClinVar (database versions not stated): gnomAD exomes below 0.00001; ExAC 0.00002.
gnomAD v4.1: 2 of 1,536,562 alleles (0.00013%); highest among the groups gnomAD compares: Non-Finnish European, 0.00018%; no homozygotes.

Submissions (2):

Myriad Genetics, Inc.
Classification: Likely benign for Sessile serrated polyposis cancer syndrome. Last evaluated: 2026-06-26. Review status: criteria provided, single submitter. Criteria: Myriad Autosomal Dominant, Autosomal Recessive and X-Linked Classification Criteria (2023). Collection method: clinical testing. Allele origin: unknown.
Comment: This variant is considered likely benign. This variant is intronic and is not expected to impact mRNA splicing.

Labcorp Genetics (formerly Invitae), Labcorp
Classification: Likely benign. Last evaluated: 2025-11-10. Review status: criteria provided, single submitter. Criteria: Invitae Variant Classification Sherloc (09022015). Collection method: clinical testing. Allele origin: germline.